The following is an entry in ClinVar:

ClinVar aggregate classification (germline): Uncertain significance. Review status: criteria provided, multiple submitters, no conflicts (2 of 4 stars). 3 submissions from 3 submitters: Uncertain significance (3). Last evaluated 2025-03-31.

Conditions:
Hereditary cancer-predisposing syndrome. Also called: Hereditary Cancer Syndrome; Neoplastic Syndromes, Hereditary; Hereditary neoplastic syndrome; Tumor predisposition. Identifiers: Orphanet 140162, MedGen C0027672, MeSH D009386, MONDO:0015356.
DICER1-related tumor predisposition. Also called: DICER1-related pleuropulmonary blastoma cancer predisposition syndrome; DICER1 syndrome. Identifiers: Orphanet 284343, MedGen C3839822, MONDO:0100216.

Allele frequency attached by ClinVar (database versions not stated): gnomAD exomes below 0.00001; TOPMed below 0.00001.
gnomAD v4.1: 1 of 1,613,686 alleles (0.000062%); highest among the groups gnomAD compares: Non-Finnish European, 0.000085%; no homozygotes.

Submissions (3):

Ambry Genetics
Classification: Uncertain significance for Hereditary cancer-predisposing syndrome. Last evaluated: 2025-03-31. Review status: criteria provided, single submitter. Criteria: Ambry Variant Classification Scheme 2023. Collection method: clinical testing. Allele origin: germline.
Comment: The p.T799I variant (also known as c.2396C>T), located in coding exon 14 of the DICER1 gene, results from a C to T substitution at nucleotide position 2396. The threonine at codon 799 is replaced by isoleucine, an amino acid with similar properties. This amino acid position is well conserved in available vertebrate species. In addition, the in silico prediction for this alteration is inconclusive. Based on the available evidence, the clinical significance of this variant remains unclear.

GeneDx
Classification: Uncertain significance. Last evaluated: 2024-01-10. Review status: criteria provided, single submitter. Criteria: GeneDx Variant Classification Process June 2021. Collection method: clinical testing. Allele origin: germline. Affected: yes.
Comment: Not observed at significant frequency in large population cohorts (gnomAD); In silico analysis supports that this missense variant does not alter protein structure/function; Has not been previously published as pathogenic or benign to our knowledge

Labcorp Genetics (formerly Invitae), Labcorp
Classification: Uncertain significance for DICER1-related tumor predisposition. Last evaluated: 2023-08-04. Review status: criteria provided, single submitter. Criteria: Invitae Variant Classification Sherloc (09022015). Collection method: clinical testing. Allele origin: germline.
Comment: In summary, the available evidence is currently insufficient to determine the role of this variant in disease. Therefore, it has been classified as a Variant of Uncertain Significance. Advanced modeling of protein sequence and biophysical properties (such as structural, functional, and spatial information, amino acid conservation, physicochemical variation, residue mobility, and thermodynamic stability) performed at Invitae indicates that this missense variant is not expected to disrupt DICER1 protein function. ClinVar contains an entry for this variant (Variation ID: 821210). This variant has not been reported in the literature in individuals affected with DICER1-related conditions. This variant is not present in population databases (gnomAD no frequency). This sequence change replaces threonine, which is neutral and polar, with isoleucine, which is neutral and non-polar, at codon 799 of the DICER1 protein (p.Thr799Ile).

NM_177438.3(DICER1):c.2396C>T (p.Thr799Ile)

Gene: DICER1 (dicer 1, ribonuclease III; minus strand). Cytogenetic location: 14q32.13.
Variant type: single nucleotide variant.
Coding change: c.2396C>T on transcript NM_177438.3 (MANE Select); coding-DNA position 2396, C replaced by T.
Protein change: p.Thr799Ile; replaces threonine 799 with isoleucine.
Molecular consequence: missense variant.
Genome position (GRCh38, 1-based): chr14:95,108,364, G>A on the plus strand (C>T on the coding strand, the complement: DICER1 is on the minus strand). VCF-style: chr14-95108364-G-A. GRCh37 (hg19) VCF-style: chr14-95574701-G-A.
Other names: c.2396C>T, p.Thr799Ile (NM_001195573.1, NM_001271282.3, NM_001291628.2 and 1 more transcripts); short protein forms T799I.
Identifiers: ClinVar variation 821210 (VCV000821210.13), dbSNP rs1595381964, ClinGen allele CA390882131.
Genomic context (GRCh38, chr14:95,108,364, plus strand): 5'-ACTCATTATGAAATACCTACCTGAGGTATGGGTTTGGCCGTCAGTATTCCAAAGCATCTT[G>A]TGGTATCTTCAGGAGGATAGAGCTTCCGCCTTCTAAAGTTGAGTTCATCAGGTAAAGGTG-3'
Protein context (NP_803187.1, residues 789-809): RRKLYPPEDT[Thr799Ile]RCFGILTAKP